The following is an entry in ClinVar:

NC_000017.11:g.(?_3489225)_(3499098_?)del

Genes: ASPA (aspartoacylase; plus strand), SPATA22 (spermatogenesis associated 22; minus strand). Cytogenetic location: 17p13.2.
Variant type: Deletion.
Identifiers: ClinVar variation 666229 (VCV000666229.1).

ClinVar aggregate classification (germline): Pathogenic (1 of 4 stars; one submission).

Conditions:
Spongy degeneration of central nervous system. Also called: Von Bogaert-Bertrand disease; Canavan disease; ACY2 DEFICIENCY; AMINOACYLASE 2 DEFICIENCY; ASP DEFICIENCY; ASPA DEFICIENCY. Identifiers: Orphanet 141, MedGen C0206307, MONDO:0010079, OMIM 271900.

Submission:

Labcorp Genetics (formerly Invitae), Labcorp
Classification: Pathogenic for Spongy degeneration of central nervous system. Last evaluated: 2018-10-15. Review status: criteria provided, single submitter. Criteria: Invitae Variant Classification Sherloc (09022015). Collection method: clinical testing. Allele origin: germline.
Comment: This variant is a gross deletion of the genomic region encompassing exons 4-6 of the ASPA gene. The 5' boundary is likely confined to intron 3. The 3' end of this event is unknown as it extends through the termination codon beyond the assayed region for this gene and may encompass additional genes. While this deletion is not anticipated to result in nonsense mediated decay, it is expected to create a truncated protein product or disrupt mRNA translation. This deletion has not been reported in the literature in individuals with ASPA-related disease. An in-frame deletion of exon 4 has been reported in individuals affected with Canavan disease, and has been determined to be pathogenic (PMID: 10909858, 7668285). This suggests that this exon is critical for ASPA protein function, and that other deletions that disrupt it may also be pathogenic. For these reasons, this variant has been classified as Pathogenic.

Literature cited by the submitters: PubMed 10909858; PubMed 7668285.